The following is an entry in ClinVar:

NM_144596.4(TTC8):c.484G>C (p.Gly162Arg)

Gene: TTC8 (tetratricopeptide repeat domain 8; plus strand). Cytogenetic location: 14q31.3.
Variant type: single nucleotide variant.
Coding change: c.484G>C on transcript NM_144596.4 (MANE Select); coding-DNA position 484, G replaced by C.
Protein change: p.Gly162Arg; replaces glycine 162 with arginine.
Molecular consequence: missense variant. On other transcripts: 5 prime UTR variant (2), non-coding transcript variant (1).
Genome position (GRCh38, 1-based): chr14:88,841,191, G>C. VCF-style: chr14-88841191-G-C. GRCh37 (hg19) VCF-style: chr14-89307535-G-C.
Other names: c.454G>C, p.Gly152Arg (NM_001288781.1, NM_001366535.2, NM_001366536.2 and 2 more transcripts); c.-109G>C (NM_001288782.1); c.-204G>C (NM_001288783.1); c.484G>C (NM_144596.3); short protein forms G152R, G162R.
Identifiers: ClinVar variation 188127 (VCV000188127.11), dbSNP rs753150258, ClinGen allele CA334109.

ClinVar aggregate classification (germline): Uncertain significance. Review status: criteria provided, multiple submitters, no conflicts (2 of 4 stars). 4 submissions from 4 submitters: Uncertain significance (4). Last evaluated 2026-02-09.

Conditions:
TTC8-related disorder. Also called: TTC8-related condition.
Inborn genetic diseases. Identifiers: MedGen C0950123, MeSH D030342.
Bardet-Biedl syndrome (BBS). Identifiers: Orphanet 110, MedGen C0752166, MONDO:0015229.

Allele frequency attached by ClinVar (database versions not stated): TOPMed 0.00006; gnomAD exomes 0.00010; ExAC 0.00012.
gnomAD v4.1: 24 of 1,613,896 alleles (0.0015%); highest among the groups gnomAD compares: Admixed American, 0.04%; 1 homozygote.

Submissions (4):

PreventionGenetics, part of Exact Sciences
Classification: Uncertain significance for TTC8-related condition. Last evaluated: 2026-02-09. Review status: criteria provided, single submitter. Criteria: ACMG Guidelines, 2015. Collection method: clinical testing. Allele origin: germline.
Comment: The TTC8 c.484G>C variant is predicted to result in the amino acid substitution p.Gly162Arg. To our knowledge, this variant has not been reported in the literature. This variant is reported in 0.072% of alleles in individuals of Latino descent in gnomAD, including 1 homozygote, which may be too frequent to be a primary cause of disease. Although we suspect that this variant may be benign, at this time, the clinical significance of this variant is uncertain due to the absence of conclusive functional and genetic evidence.

Ambry Genetics
Classification: Uncertain significance for Inborn genetic diseases. Last evaluated: 2025-08-05. Review status: criteria provided, single submitter. Criteria: Ambry Variant Classification Scheme 2023. Collection method: clinical testing. Allele origin: germline.

Labcorp Genetics (formerly Invitae), Labcorp
Classification: Uncertain significance for Bardet-Biedl syndrome. Last evaluated: 2024-10-26. Review status: criteria provided, single submitter. Criteria: Invitae Variant Classification Sherloc (09022015). Collection method: clinical testing. Allele origin: germline.
Comment: This sequence change replaces glycine, which is neutral and non-polar, with arginine, which is basic and polar, at codon 152 of the TTC8 protein (p.Gly152Arg). This variant is present in population databases (rs753150258, gnomAD 0.07%). This variant has not been reported in the literature in individuals affected with TTC8-related conditions. ClinVar contains an entry for this variant (Variation ID: 188127). Invitae Evidence Modeling of protein sequence and biophysical properties (such as structural, functional, and spatial information, amino acid conservation, physicochemical variation, residue mobility, and thermodynamic stability) has been performed for this missense variant. However, the output from this modeling did not meet the statistical confidence thresholds required to predict the impact of this variant on TTC8 protein function. In summary, the available evidence is currently insufficient to determine the role of this variant in disease. Therefore, it has been classified as a Variant of Uncertain Significance.

Blueprint Genetics
Classification: Uncertain significance. Last evaluated: 2024-01-11. Review status: criteria provided, single submitter. Criteria: ACMG Guidelines, 2015. Collection method: clinical testing. Allele origin: germline.